The following is an entry in ClinVar:

NM_144991.3(TSPEAR):c.1106C>T (p.Thr369Met)

Gene: TSPEAR (thrombospondin type laminin G domain and EAR repeats; minus strand). Cytogenetic location: 21q22.3.
Variant type: single nucleotide variant.
Coding change: c.1106C>T on transcript NM_144991.3 (MANE Select); coding-DNA position 1106, C replaced by T.
Protein change: p.Thr369Met; replaces threonine 369 with methionine.
Molecular consequence: missense variant.
Genome position (GRCh38, 1-based): chr21:44,527,335, G>A on the plus strand (C>T on the coding strand, the complement: TSPEAR is on the minus strand). VCF-style: chr21-44527335-G-A. GRCh37 (hg19) VCF-style: chr21-45947218-G-A.
Other names: c.902C>T, p.Thr301Met (NM_001272037.2); short protein forms T301M, T369M.
Identifiers: ClinVar variation 4083443 (VCV004083443.2).

ClinVar aggregate classification (germline): Uncertain significance. Review status: criteria provided, multiple submitters, no conflicts (2 of 4 stars). 2 submissions from 2 submitters: Uncertain significance (2). Last evaluated 2026-05-14.

Conditions:
TSPEAR-related disorder. Also called: TSPEAR-related condition.

gnomAD v4.1: 246 of 1,614,188 alleles (0.015%); highest among the groups gnomAD compares: Non-Finnish European, 0.02%; no homozygotes.

Submissions (2):

PreventionGenetics, part of Exact Sciences
Classification: Uncertain significance for TSPEAR-related condition. Last evaluated: 2026-05-14. Review status: criteria provided, single submitter. Criteria: ACMG Guidelines, 2015. Collection method: clinical testing. Allele origin: germline.
Comment: The TSPEAR c.1106C>T variant is predicted to result in the amino acid substitution p.Thr369Met. To our knowledge, this variant has not been reported in the literature. This variant is reported in 0.010% of alleles in individuals of European (Non-Finnish) descent in gnomAD. At this time, the clinical significance of this variant is uncertain due to the absence of conclusive functional and genetic evidence.

GeneDx
Classification: Uncertain significance. Last evaluated: 2025-03-05. Review status: criteria provided, single submitter. Criteria: GeneDx Variant Classification Process June 2021. Collection method: clinical testing. Allele origin: germline. Affected: yes.
Comment: Has not been previously published as pathogenic or benign to our knowledge; In silico analysis supports that this missense variant has a deleterious effect on protein structure/function